The following is an entry in ClinVar:

NM_001690.4(ATP6V1A):c.1031T>C (p.Val344Ala)

Gene: ATP6V1A (ATPase H+ transporting V1 subunit A; plus strand). Cytogenetic location: 3q13.31.
Variant type: single nucleotide variant.
Coding change: c.1031T>C on transcript NM_001690.4 (MANE Select); coding-DNA position 1031, T replaced by C.
Protein change: p.Val344Ala; replaces valine 344 with alanine.
Molecular consequence: missense variant.
Genome position (GRCh38, 1-based): chr3:113,794,914, T>C. VCF-style: chr3-113794914-T-C. GRCh37 (hg19) VCF-style: chr3-113513761-T-C.
Other names: short protein forms V344A.
Identifiers: ClinVar variation 1285435 (VCV001285435.2), dbSNP rs1433760084, ClinGen allele CA354017666.
Genomic context (GRCh38, chr3:113,794,914, plus strand): 5'-ATATTCTTCCCAATTTAGGAATCACACTGTCAGAGTACTTCCGTGACATGGGCTATCATG[T>C]CAGTATGATGGCTGACTCTACCTCTAGATGGGCTGAGGCCCTTAGAGAAATCTCTGGTCG-3'
Protein context (NP_001681.2, residues 334-354): SEYFRDMGYH[Val344Ala]SMMADSTSRW

ClinVar aggregate classification (germline): Uncertain significance. Review status: criteria provided, multiple submitters, no conflicts (2 of 4 stars). 2 submissions from 2 submitters: Uncertain significance (2). Last evaluated 2025-05-06.

Conditions:
Developmental and epileptic encephalopathy 93. Also called: EPILEPTIC ENCEPHALOPATHY, INFANTILE OR EARLY CHILDHOOD, 3. Identifiers: MedGen C4693934, MONDO:0020632, OMIM 618012.

Allele frequency attached by ClinVar (database versions not stated): gnomAD exomes below 0.00001; TOPMed below 0.00001; gnomAD 0.00001.
gnomAD v4.1: 6 of 1,613,738 alleles (0.00037%); highest among the groups gnomAD compares: Middle Eastern, 0.016%; no homozygotes.

Submissions (2):

Labcorp Genetics (formerly Invitae), Labcorp
Classification: Uncertain significance. Last evaluated: 2025-05-06. Review status: criteria provided, single submitter. Criteria: Invitae Variant Classification Sherloc (09022015). Collection method: clinical testing. Allele origin: germline.
Comment: This sequence change replaces valine, which is neutral and non-polar, with alanine, which is neutral and non-polar, at codon 344 of the ATP6V1A protein (p.Val344Ala). This variant is not present in population databases (gnomAD no frequency). This variant has not been reported in the literature in individuals affected with ATP6V1A-related conditions. ClinVar contains an entry for this variant (Variation ID: 1285435). Invitae Evidence Modeling of protein sequence and biophysical properties (such as structural, functional, and spatial information, amino acid conservation, physicochemical variation, residue mobility, and thermodynamic stability) indicates that this missense variant is not expected to disrupt ATP6V1A protein function with a negative predictive value of 80%. In summary, the available evidence is currently insufficient to determine the role of this variant in disease. Therefore, it has been classified as a Variant of Uncertain Significance.

Institute of Human Genetics, University of Leipzig Medical Center
Classification: Uncertain significance for Developmental and epileptic encephalopathy 93. Last evaluated: 2020-11-02. Review status: criteria provided, single submitter. Criteria: ACMG Guidelines, 2015. Collection method: clinical testing. Allele origin: unknown. Affected: yes.